The following is an entry in ClinVar:

NM_000751.3(CHRND):c.962C>A (p.Thr321Asn)

Gene: CHRND (cholinergic receptor nicotinic delta subunit; plus strand). Cytogenetic location: 2q37.1.
Variant type: single nucleotide variant.
Coding change: c.962C>A on transcript NM_000751.3 (MANE Select); coding-DNA position 962, C replaced by A.
Protein change: p.Thr321Asn; replaces threonine 321 with asparagine.
Molecular consequence: missense variant.
Genome position (GRCh38, 1-based): chr2:232,531,571, C>A. VCF-style: chr2-232531571-C-A. GRCh37 (hg19) VCF-style: chr2-233396281-C-A.
Other names: c.917C>A, p.Thr306Asn (NM_001256657.2); c.380C>A, p.Thr127Asn (NM_001311195.2); c.659C>A, p.Thr220Asn (NM_001311196.2); short protein forms T321N, T306N, T127N, T220N.
Identifiers: ClinVar variation 1352331 (VCV001352331.8), dbSNP rs776316455, ClinGen allele CA351003180.

ClinVar aggregate classification (germline): Uncertain significance (1 of 4 stars; one submission).

Conditions:
Lethal multiple pterygium syndrome (LMPS). Identifiers: Orphanet 33108, MedGen C1854678, MONDO:0009668, OMIM 253290.

Allele frequency attached by ClinVar (database versions not stated): gnomAD exomes below 0.00001.
gnomAD v4.1: 3 of 1,614,134 alleles (0.00019%); highest among the groups gnomAD compares: Non-Finnish European, 0.00025%; no homozygotes.

Submission:

Labcorp Genetics (formerly Invitae), Labcorp
Classification: Uncertain significance for Lethal multiple pterygium syndrome. Last evaluated: 2022-11-22. Review status: criteria provided, single submitter. Criteria: Invitae Variant Classification Sherloc (09022015). Collection method: clinical testing. Allele origin: germline.
Comment: This sequence change replaces threonine, which is neutral and polar, with asparagine, which is neutral and polar, at codon 321 of the CHRND protein (p.Thr321Asn). This variant is present in population databases (no rsID available, gnomAD 0.0009%). This variant has not been reported in the literature in individuals affected with CHRND-related conditions. ClinVar contains an entry for this variant (Variation ID: 1352331). Advanced modeling of protein sequence and biophysical properties (such as structural, functional, and spatial information, amino acid conservation, physicochemical variation, residue mobility, and thermodynamic stability) performed at Invitae indicates that this missense variant is expected to disrupt CHRND protein function. In summary, the available evidence is currently insufficient to determine the role of this variant in disease. Therefore, it has been classified as a Variant of Uncertain Significance.